The following is an entry in ClinVar:

ClinVar aggregate classification (germline): Conflicting classifications of pathogenicity. Review status: criteria provided, conflicting classifications (1 of 4 stars). 2 submissions from 2 submitters: Likely pathogenic (1); Uncertain significance (1). Last evaluated 2024-08-19.

Conditions:
MYO7A-related disorder. Also called: MYO7A-related disorders.

Allele frequency attached by ClinVar (database versions not stated): gnomAD exomes below 0.00001; TOPMed below 0.00001.
gnomAD v4.1: 5 of 1,610,470 alleles (0.00031%); highest among the groups gnomAD compares: Non-Finnish European, 0.00025%; no homozygotes.

Submissions (2):

Blueprint Genetics
Classification: Likely pathogenic for MYO7A-related disorders. Last evaluated: 2024-08-19. Review status: criteria provided, single submitter. Criteria: ACMG Guidelines, 2015. Collection method: clinical testing. Allele origin: germline. Affected: yes. Observed: 3 variant alleles.

Labcorp Genetics (formerly Invitae), Labcorp
Classification: Uncertain significance. Last evaluated: 2022-08-12. Review status: criteria provided, single submitter. Criteria: Invitae Variant Classification Sherloc (09022015). Collection method: clinical testing. Allele origin: germline.
Comment: This sequence change replaces cysteine, which is neutral and slightly polar, with tyrosine, which is neutral and polar, at codon 344 of the MYO7A protein (p.Cys344Tyr). This variant is not present in population databases (gnomAD no frequency). This variant has not been reported in the literature in individuals affected with MYO7A-related conditions. Algorithms developed to predict the effect of missense changes on protein structure and function are either unavailable or do not agree on the potential impact of this missense change (SIFT: "Deleterious"; PolyPhen-2: "Probably Damaging"; Align-GVGD: "Class C0"). In summary, the available evidence is currently insufficient to determine the role of this variant in disease. Therefore, it has been classified as a Variant of Uncertain Significance.

NM_000260.4(MYO7A):c.1031G>A (p.Cys344Tyr)

Gene: MYO7A (myosin VIIA; plus strand). Cytogenetic location: 11q13.5.
Variant type: single nucleotide variant.
Coding change: c.1031G>A on transcript NM_000260.4 (MANE Select); coding-DNA position 1031, G replaced by A.
Protein change: p.Cys344Tyr; replaces cysteine 344 with tyrosine.
Molecular consequence: missense variant.
Genome position (GRCh38, 1-based): chr11:77,159,474, G>A. VCF-style: chr11-77159474-G-A. GRCh37 (hg19) VCF-style: chr11-76870520-G-A.
Other names: c.1031G>A, p.Cys344Tyr (NM_001127180.2); c.998G>A, p.Cys333Tyr (NM_001369365.1); short protein forms C333Y, C344Y.
Identifiers: ClinVar variation 1942825 (VCV001942825.3), dbSNP rs1565349460, ClinGen allele CA381933914.